The following is an entry in ClinVar:

ClinVar aggregate classification (germline): Uncertain significance (1 of 4 stars; one submission).

Conditions:
Joubert syndrome 8 (JBTS8). Identifiers: Orphanet 475, MedGen C2676771, MONDO:0012855, OMIM 612291.

Submission:

Labcorp Genetics (formerly Invitae), Labcorp
Classification: Uncertain significance for Joubert syndrome 8. Last evaluated: 2023-11-27. Review status: criteria provided, single submitter. Criteria: Invitae Variant Classification Sherloc (09022015). Collection method: clinical testing. Allele origin: germline.
Comment: This variant results in a copy number gain of the genomic region encompassing exon(s) 1-3 of the ARL13B gene. This region includes the initiator codon of the gene. This copy number gain extends beyond the assayed region for this gene and therefore may encompass additional genes. As the precise location of this event is unknown, it may be in tandem or it may be located elsewhere in the genome. This variant has not been reported in the literature in individuals affected with ARL13B-related conditions. In summary, the available evidence is currently insufficient to determine the role of this variant in disease. Therefore, it has been classified as a Variant of Uncertain Significance.

NC_000003.11:g.(?_93593089)_(93722772_?)dup

Genes: ARL13B (ARF like GTPase 13B; plus strand), PROS1 (protein S; minus strand). Cytogenetic location: 3q11.1.
Variant type: Duplication.
Identifiers: ClinVar variation 1447951 (VCV001447951.5).